The following is an entry in ClinVar:

ClinVar aggregate classification (germline): Uncertain significance. Review status: criteria provided, multiple submitters, no conflicts (2 of 4 stars). 2 submissions from 2 submitters: Uncertain significance (2). Last evaluated 2026-01-16.

Conditions:
Cardiovascular phenotype. Identifiers: MedGen CN230736.

Submissions (2):

Ambry Genetics
Classification: Uncertain significance for Cardiovascular phenotype. Last evaluated: 2026-01-16. Review status: criteria provided, single submitter. Criteria: Ambry Variant Classification Scheme 2023. Collection method: clinical testing. Allele origin: germline.
Comment: The p.V14L variant (also known as c.40G>T), located in coding exon 2 of the PTPN11 gene, results from a G to T substitution at nucleotide position 40. The valine at codon 14 is replaced by leucine, an amino acid with highly similar properties. This amino acid position is conserved. In addition, the in silico prediction for this alteration is inconclusive. Based on the available evidence, the clinical significance of this variant remains unclear.

GeneDx
Classification: Uncertain significance. Last evaluated: 2024-09-03. Review status: criteria provided, single submitter. Criteria: GeneDx Variant Classification Process June 2021. Collection method: clinical testing. Allele origin: germline. Affected: yes.
Comment: Has not been previously published as pathogenic or benign to our knowledge; Not observed at significant frequency in large population cohorts (gnomAD); Missense variants in this gene are a common cause of disease and they are underrepresented in the general population; In silico analysis indicates that this missense variant does not alter protein structure/function

NM_002834.5(PTPN11):c.40G>T (p.Val14Leu)

Gene: PTPN11 (protein tyrosine phosphatase non-receptor type 11; plus strand). Cytogenetic location: 12q24.13.
Variant type: single nucleotide variant.
Coding change: c.40G>T on transcript NM_002834.5 (MANE Select); coding-DNA position 40, G replaced by T.
Protein change: p.Val14Leu; replaces valine 14 with leucine.
Molecular consequence: missense variant.
Genome position (GRCh38, 1-based): chr12:112,446,301, G>T. VCF-style: chr12-112446301-G-T. GRCh37 (hg19) VCF-style: chr12-112884105-G-T.
Other names: c.40G>T, p.Val14Leu (NM_001330437.2, NM_001374625.1, NM_080601.3); short protein forms V14L.
Identifiers: ClinVar variation 3765968 (VCV003765968.2).